The following is an entry in ClinVar:

ClinVar aggregate classification (germline): Likely benign. Review status: criteria provided, multiple submitters, no conflicts (2 of 4 stars). 3 submissions from 3 submitters: Likely benign (2). 1 of the submissions does not count toward it. Last evaluated 2025-11-26.

Conditions:
SCN9A-related disorder. Also called: SCN9A-related disorders; SCN9A-related condition.
Neuropathy, hereditary sensory and autonomic, type 2A (HSAN2A). Also called: ACROOSTEOLYSIS, NEUROGENIC; ACROOSTEOLYSIS, GIACCAI TYPE; MORVAN DISEASE; NEUROPATHY, CONGENITAL SENSORY; NEUROPATHY, HEREDITARY SENSORY RADICULAR, AUTOSOMAL RECESSIVE; NEUROPATHY, HEREDITARY SENSORY, TYPE IIA. Identifiers: Orphanet 970, MedGen C2752089, MONDO:0024309, OMIM 201300.
Generalized epilepsy with febrile seizures plus, type 7 (GEFSP7). Also called: GEFS+, TYPE 7. Identifiers: Orphanet 36387, MedGen C2751778, MONDO:0013470, OMIM 613863.
Inborn genetic diseases. Identifiers: MedGen C0950123, MeSH D030342.

Allele frequency attached by ClinVar (database versions not stated): ExAC 0.00002; gnomAD exomes 0.00005 and 0.00007; TOPMed 0.00008; gnomAD 0.00009.
gnomAD v4.1: 110 of 1,613,578 alleles (0.0068%); highest among the groups gnomAD compares: East Asian, 0.047%; no homozygotes.

Submissions (3):

Labcorp Genetics (formerly Invitae), Labcorp
Classification: Likely benign for Neuropathy, hereditary sensory and autonomic, type 2A; Generalized epilepsy with febrile seizures plus, type 7. Last evaluated: 2025-11-26. Review status: criteria provided, single submitter. Criteria: Invitae Variant Classification Sherloc (09022015). Collection method: clinical testing. Allele origin: germline.

Ambry Genetics
Classification: Likely benign for Inborn genetic diseases. Last evaluated: 2019-07-11. Review status: criteria provided, single submitter. Criteria: Ambry Variant Classification Scheme 2023. Collection method: clinical testing. Allele origin: germline.

PreventionGenetics, part of Exact Sciences
Classification: Likely benign for SCN9A-related condition. Last evaluated: 2019-03-29. Review status: no assertion criteria provided. Collection method: clinical testing. Allele origin: germline. Not counted in ClinVar's aggregate classification.
Comment: This variant is classified as likely benign based on ACMG/AMP sequence variant interpretation guidelines (Richards et al. 2015 PMID: 25741868, with internal and published modifications).

NM_001365536.1(SCN9A):c.3975A>G (p.Leu1325=)

Genes: SCN9A (sodium voltage-gated channel alpha subunit 9; minus strand), SCN1A-AS1 (SCN1A and SCN9A antisense RNA 1; plus strand). Cytogenetic location: 2q24.3.
Variant type: single nucleotide variant.
Coding change: c.3975A>G on transcript NM_001365536.1 (MANE Select); coding-DNA position 3975, A replaced by G.
Protein change: p.Leu1325=; no amino-acid change (leucine 1325 retained).
Molecular consequence: synonymous variant.
Genome position (GRCh38, 1-based): chr2:166,228,922, T>C on the plus strand (A>G on the coding strand, the complement: SCN9A is on the minus strand). VCF-style: chr2-166228922-T-C. GRCh37 (hg19) VCF-style: chr2-167085432-T-C.
Other names: c.3942A>G, p.Leu1314= (NM_002977.4).
Identifiers: ClinVar variation 471120 (VCV000471120.16), dbSNP rs199988325, ClinGen allele CA1943968.